The following is an entry in ClinVar:

NM_182916.3(TRNT1):c.649C>T (p.Pro217Ser)

Gene: TRNT1 (tRNA nucleotidyl transferase 1; plus strand). Cytogenetic location: 3p26.2.
Variant type: single nucleotide variant.
Coding change: c.649C>T on transcript NM_182916.3 (MANE Select); coding-DNA position 649, C replaced by T.
Protein change: p.Pro217Ser; replaces proline 217 with serine.
Molecular consequence: missense variant. On other transcripts: non-coding transcript variant (6).
Genome position (GRCh38, 1-based): chr3:3,146,470, C>T. VCF-style: chr3-3146470-C-T. GRCh37 (hg19) VCF-style: chr3-3188154-C-T.
Other names: c.649C>T, p.Pro217Ser (NM_001367322.1, NM_001367323.1, NM_001302946.2 and 1 more transcripts); c.649C>T (NM_182916.2); short protein forms P217S.
Identifiers: ClinVar variation 1426653 (VCV001426653.9), dbSNP rs775586520, ClinGen allele CA351446948.
Genomic context (GRCh38, chr3:3,146,470, plus strand): 5'-GTGAAGATTTTGTCTTGTAGGTTTTATGGGAGAATTGTAGACAAACCTGGTGACCATGAT[C>T]CTGAGACTTTGGAAGCAATTGCAGAAAATGCAAAAGGCTTGGCTGGAATATCAGGAGAAA-3'
Protein context (NP_886552.3, residues 207-227): RIVDKPGDHD[Pro217Ser]ETLEAIAENA

ClinVar aggregate classification (germline): Uncertain significance. Review status: criteria provided, multiple submitters, no conflicts (2 of 4 stars). 2 submissions from 2 submitters: Uncertain significance (2). Last evaluated 2024-01-08.

Conditions:
Inborn genetic diseases. Identifiers: MedGen C0950123, MeSH D030342.
Congenital sideroblastic anemia-B-cell immunodeficiency-periodic fever-developmental delay syndrome. Also called: Sideroblastic anemia with B-cell immunodeficiency, periodic fevers, and developmental delay. Identifiers: Orphanet 369861, MedGen C4015172, MONDO:0014487, OMIM 616084.

Allele frequency attached by ClinVar (database versions not stated): TOPMed 0.00001.
gnomAD v4.1: 3 of 1,613,696 alleles (0.00019%); highest among the groups gnomAD compares: Admixed American, 0.0017%; no homozygotes.

Submissions (2):

Ambry Genetics
Classification: Uncertain significance for Inborn genetic diseases. Last evaluated: 2024-01-08. Review status: criteria provided, single submitter. Criteria: Ambry Variant Classification Scheme 2023. Collection method: clinical testing. Allele origin: germline.

Labcorp Genetics (formerly Invitae), Labcorp
Classification: Uncertain significance for Congenital sideroblastic anemia-B-cell immunodeficiency-periodic fever-developmental delay syndrome. Last evaluated: 2022-08-23. Review status: criteria provided, single submitter. Criteria: Invitae Variant Classification Sherloc (09022015). Collection method: clinical testing. Allele origin: germline.
Comment: In summary, the available evidence is currently insufficient to determine the role of this variant in disease. Therefore, it has been classified as a Variant of Uncertain Significance. Algorithms developed to predict the effect of missense changes on protein structure and function output the following: SIFT: "Tolerated"; PolyPhen-2: "Benign"; Align-GVGD: "Class C0". The serine amino acid residue is found in multiple mammalian species, which suggests that this missense change does not adversely affect protein function. ClinVar contains an entry for this variant (Variation ID: 1426653). This variant has not been reported in the literature in individuals affected with TRNT1-related conditions. This variant is present in population databases (no rsID available, gnomAD 0.003%). This sequence change replaces proline, which is neutral and non-polar, with serine, which is neutral and polar, at codon 217 of the TRNT1 protein (p.Pro217Ser).